The following is an entry in ClinVar:

NM_000059.4(BRCA2):c.9442G>A (p.Ala3148Thr)

Gene: BRCA2 (BRCA2 DNA repair associated; plus strand). Cytogenetic location: 13q13.1.
Variant type: single nucleotide variant.
Coding change: c.9442G>A on transcript NM_000059.4 (MANE Select); coding-DNA position 9442, G replaced by A.
Protein change: p.Ala3148Thr; replaces alanine 3148 with threonine.
Molecular consequence: missense variant.
Genome position (GRCh38, 1-based): chr13:32,394,874, G>A. VCF-style: chr13-32394874-G-A. GRCh37 (hg19) VCF-style: chr13-32969011-G-A.
Other names: short protein forms A3148T.
Identifiers: ClinVar variation 489799 (VCV000489799.12), dbSNP rs949790323, ClinGen allele CA387761589.

ClinVar aggregate classification (germline): Conflicting classifications of pathogenicity. Review status: criteria provided, conflicting classifications (1 of 4 stars). 4 submissions from 4 submitters: Uncertain significance (3); Likely benign (1). Last evaluated 2025-12-17.

Conditions:
Hereditary breast ovarian cancer syndrome. Also called: Breast and ovarian cancer; Hereditary breast and/or ovarian cancer syndrome; Hereditary breast and ovarian cancer; Hereditary breast and ovarian cancer syndrome (HBOC); BRCA1- and BRCA2-Associated Hereditary Breast and Ovarian Cancer; Hereditary breast and ovarian cancer syndrome. Identifiers: Orphanet 145, MedGen C0677776, MeSH D061325, MONDO:0003582. Disease mechanism: loss of function.
BRCA2-related cancer predisposition. Identifiers: MedGen CN377758, MONDO:0700269.
Hereditary cancer-predisposing syndrome. Also called: Hereditary Cancer Syndrome; Neoplastic Syndromes, Hereditary; Tumor predisposition; Hereditary neoplastic syndrome. Identifiers: Orphanet 140162, MedGen C0027672, MeSH D009386, MONDO:0015356.

Submissions (4):

Labcorp Genetics (formerly Invitae), Labcorp
Classification: Uncertain significance for Hereditary breast ovarian cancer syndrome. Last evaluated: 2025-12-17. Review status: criteria provided, single submitter. Criteria: Invitae Variant Classification Sherloc (09022015). Collection method: clinical testing. Allele origin: germline.
Comment: This sequence change replaces alanine, which is neutral and non-polar, with threonine, which is neutral and polar, at codon 3148 of the BRCA2 protein (p.Ala3148Thr). This variant is not present in population databases (gnomAD no frequency). This variant has not been reported in the literature in individuals affected with BRCA2-related conditions. ClinVar contains an entry for this variant (Variation ID: 489799). Invitae Evidence Modeling of protein sequence and biophysical properties (such as structural, functional, and spatial information, amino acid conservation, physicochemical variation, residue mobility, and thermodynamic stability) indicates that this missense variant is not expected to disrupt BRCA2 protein function with a negative predictive value of 95%. In summary, the available evidence is currently insufficient to determine the role of this variant in disease. Therefore, it has been classified as a Variant of Uncertain Significance.

Ambry Genetics
Classification: Likely benign for Hereditary cancer-predisposing syndrome. Last evaluated: 2025-11-05. Review status: criteria provided, single submitter. Criteria: Ambry Variant Classification Scheme 2023. Collection method: clinical testing. Allele origin: germline.

All of Us Research Program, National Institutes of Health
Classification: Uncertain significance for BRCA2-related cancer predisposition. Last evaluated: 2024-05-30. Review status: criteria provided, single submitter. Criteria: ACMG Guidelines, 2015. Collection method: clinical testing. Allele origin: germline. Inheritance: Autosomal dominant inheritance. Observed: 1 variant allele, 1 heterozygote.
Comment: This missense variant replaces alanine with threonine at codon 3148 of the BRCA2 protein. Computational prediction is inconclusive regarding the impact of this variant on protein structure and function. To our knowledge, functional studies have not been reported for this variant. This variant has not been reported in individuals affected with BRCA2-related disorders in the literature. This variant has not been identified in the general population by the Genome Aggregation Database (gnomAD). The available evidence is insufficient to determine the role of this variant in disease conclusively. Therefore, this variant is classified as a Variant of Uncertain Significance.

This study involves interpretation of variants in research participants for the purpose of population health screening. Participant phenotype was not available at the time of variant classification. Additional details can be found in publication PMID: 35346344, PMCID: PMC8962531

Color Diagnostics, LLC DBA Color Health
Classification: Uncertain significance for Hereditary cancer-predisposing syndrome. Last evaluated: 2024-05-16. Review status: criteria provided, single submitter. Criteria: ACMG Guidelines, 2015. Collection method: clinical testing. Allele origin: germline.
Comment: This missense variant replaces alanine with threonine at codon 3148 of the BRCA2 protein. Computational prediction is inconclusive regarding the impact of this variant on protein structure and function. To our knowledge, functional studies have not been reported for this variant. This variant has not been reported in individuals affected with BRCA2-related disorders in the literature. This variant has not been identified in the general population by the Genome Aggregation Database (gnomAD). The available evidence is insufficient to determine the role of this variant in disease conclusively. Therefore, this variant is classified as a Variant of Uncertain Significance.

Literature cited by the submitters: PubMed 39779848 (cited by Ambry Genetics); PubMed 39779857 (cited by Ambry Genetics).